The following is an entry in ClinVar:

NM_006950.3(SYN1):c.1372C>G (p.Gln458Glu)

Gene: SYN1 (synapsin I; minus strand). Cytogenetic location: Xp11.3.
Variant type: single nucleotide variant.
Coding change: c.1372C>G on transcript NM_006950.3 (MANE Select); coding-DNA position 1372, C replaced by G.
Protein change: p.Gln458Glu; replaces glutamine 458 with glutamic acid.
Molecular consequence: missense variant.
Genome position (GRCh38, 1-based): chrX:47,574,709, G>C on the plus strand (C>G on the coding strand, the complement: SYN1 is on the minus strand). VCF-style: chrX-47574709-G-C. GRCh37 (hg19) VCF-style: chrX-47434108-G-C.
Other names: p.Q458E:CAG>GAG; c.1372C>G, p.Gln458Glu (NM_133499.2); short protein forms Q458E.
Identifiers: ClinVar variation 207472 (VCV000207472.15), dbSNP rs372445055, ClinGen allele CA318955.

ClinVar aggregate classification (germline): Conflicting classifications of pathogenicity. Review status: criteria provided, conflicting classifications (1 of 4 stars). 4 submissions from 4 submitters: Uncertain significance (3); Likely benign (1). Last evaluated 2025-10-28.

Conditions:
Inborn genetic diseases. Identifiers: MedGen C0950123, MeSH D030342.
Epilepsy, X-linked 1, with variable learning disabilities and behavior disorders. Also called: X-linked epilepsy-learning disabilities-behavior disorders syndrome. Identifiers: Orphanet 85294, MedGen C5774177, MONDO:0010339, OMIM 300491.
Intellectual developmental disorder, X-linked 50. Also called: Intellectual disability, X-linked 50; MRX50. Identifiers: Orphanet 777, MedGen C1848087, MONDO:0010251, OMIM 300115.
X-linked complex neurodevelopmental disorder. Identifiers: MedGen CN294807, MONDO:0100148.

Allele frequency attached by ClinVar (database versions not stated): gnomAD exomes 0.00005 and 0.00022; ExAC 0.00006; TOPMed 0.00008; gnomAD 0.00010 and 0.00011; ESP Exome Variant Server 0.00020.
gnomAD v4.1: 240 of 1,184,557 alleles (0.02%); highest among the groups gnomAD compares: Non-Finnish European, 0.027%; no homozygotes.

Submissions (4):

Labcorp Genetics (formerly Invitae), Labcorp
Classification: Uncertain significance for Epilepsy, X-linked 1, with variable learning disabilities and behavior disorders. Last evaluated: 2025-10-28. Review status: criteria provided, single submitter. Criteria: Invitae Variant Classification Sherloc (09022015). Collection method: clinical testing. Allele origin: germline.
Comment: This sequence change replaces glutamine, which is neutral and polar, with glutamic acid, which is acidic and polar, at codon 458 of the SYN1 protein (p.Gln458Glu). This variant is present in population databases (rs372445055, gnomAD 0.01%), and has an allele count higher than expected for a pathogenic variant. This variant has not been reported in the literature in individuals affected with SYN1-related conditions. ClinVar contains an entry for this variant (Variation ID: 207472). Experimental studies and prediction algorithms are not available or were not evaluated, and the functional significance of this variant is currently unknown. In summary, the available evidence is currently insufficient to determine the role of this variant in disease. Therefore, it has been classified as a Variant of Uncertain Significance.

Ambry Genetics
Classification: Likely benign for Inborn genetic diseases. Last evaluated: 2022-10-25. Review status: criteria provided, single submitter. Criteria: Ambry Variant Classification Scheme 2023. Collection method: clinical testing. Allele origin: germline.

Fulgent Genetics
Classification: Uncertain significance for Intellectual developmental disorder, X-linked 50; Epilepsy, X-linked 1, with variable learning disabilities and behavior disorders. Last evaluated: 2022-01-25. Review status: criteria provided, single submitter. Criteria: ACMG Guidelines, 2015. Collection method: clinical testing. Allele origin: unknown.

GeneDx
Classification: Uncertain significance. Last evaluated: 2017-11-01. Review status: criteria provided, single submitter. Criteria: GeneDx Variant Classification (06012015). Collection method: clinical testing. Allele origin: germline. Affected: yes.
Comment: p.Gln458Glu (CAG>GAG): c.1372 C>G in the SYN1 gene. The Gln458Glu missense change has not been published as a mutation, nor has it been reported as a benign polymorphism to our knowledge. The amino acid substitution is non-conservative, as an uncharged Glutamine residue is replaced by a negatively charged Glutamic acid residue. It alters a highly conserved position in the protein, although other missense mutations have not been reported in this region of the protein. Several in silico algorithms predict Gln458Glu may be benign, while another model suggests it may be damaging to protein structure/function. Therefore, based on the currently available information, it is unclear whether Gln458Glu is a disease-causing mutation or a rare benign variant. The variant is found in EPILEPSY, INFANT-EPI panel(s).